The following is an entry in ClinVar:

ClinVar aggregate classification (germline): Uncertain significance (1 of 4 stars; one submission).

gnomAD v4.1: 3 of 1,614,122 alleles (0.00019%); highest among the groups gnomAD compares: Admixed American, 0.005%; no homozygotes.

Submission:

Labcorp Genetics (formerly Invitae), Labcorp
Classification: Uncertain significance. Last evaluated: 2025-05-25. Review status: criteria provided, single submitter. Criteria: Invitae Variant Classification Sherloc (09022015). Collection method: clinical testing. Allele origin: germline.
Comment: This sequence change replaces threonine, which is neutral and polar, with isoleucine, which is neutral and non-polar, at codon 43 of the OPN1SW protein (p.Thr43Ile). This variant is present in population databases (no rsID available, gnomAD 0.006%). This variant has not been reported in the literature in individuals affected with OPN1SW-related conditions. An algorithm developed to predict the effect of missense changes on protein structure and function outputs the following: PolyPhen-2: "Benign". The isoleucine amino acid residue is found in multiple mammalian species, which suggests that this missense change does not adversely affect protein function. In summary, the available evidence is currently insufficient to determine the role of this variant in disease. Therefore, it has been classified as a Variant of Uncertain Significance.

NM_001385125.1(OPN1SW):c.119C>T (p.Thr40Ile)

Gene: OPN1SW (opsin 1, short wave sensitive; minus strand). Cytogenetic location: 7q32.1.
Variant type: single nucleotide variant.
Coding change: c.119C>T on transcript NM_001385125.1 (MANE Select); coding-DNA position 119, C replaced by T.
Protein change: p.Thr40Ile; replaces threonine 40 with isoleucine.
Molecular consequence: missense variant.
Genome position (GRCh38, 1-based): chr7:128,775,663, G>A on the plus strand (C>T on the coding strand, the complement: OPN1SW is on the minus strand). VCF-style: chr7-128775663-G-A. GRCh37 (hg19) VCF-style: chr7-128415717-G-A.
Other names: short protein forms T40I.
Identifiers: ClinVar variation 4706852 (VCV004706852.1).
Genomic context (GRCh38, chr7:128,775,663, plus strand): 5'-TTGTAGCGCAGTGTGGCCACCAGCACCATGGCATTGAGTGGGAACCCTATAAGGAAGACA[G>A]TGCCCATGAAAGCTGCCTGGAGGTAGAAGGCCCAGACAGGGGCAATGTGGTACTGAGGCC-3'
Protein context (NP_001372054.1, residues 30-50): AFYLQAAFMG[Thr40Ile]VFLIGFPLNA